The following continues an entry in ClinVar:

NM_000059.4(BRCA2):c.5857G>T (p.Glu1953Ter)

Gene: BRCA2. ClinVar aggregate classification (germline): Pathogenic. Pathogenic (1).

Submissions 24 to 39 of 41:

Women's Health and Genetics/Laboratory Corporation of America, LabCorp
Classification: Pathogenic for Hereditary breast and ovarian cancer syndrome. Last evaluated: 2020-08-31. Review status: criteria provided, single submitter. Criteria: LabCorp Variant Classification Summary - May 2015. Collection method: clinical testing. Allele origin: germline. Not counted in ClinVar's aggregate classification.
Comment: Variant summary: BRCA2 c.5857G>T (p.Glu1953X) results in a premature termination codon, predicted to cause a truncation of the encoded protein or absence of the protein due to nonsense mediated decay, which are commonly known mechanisms for disease. Truncations downstream of this position have been classified as pathogenic by our laboratory. The variant allele was found at a frequency of 8e-06 in 250950 control chromosomes. c.5857G>T has been reported in the literature in multiple individuals affected with Hereditary Breast And Ovarian Cancer Syndrome (example, Frank_1998, Ghadirian_2014, Oros_2004, Serova-Sinilnikova_1997). These data indicate that the variant is very likely to be associated with disease. To our knowledge, no experimental evidence demonstrating an impact on protein function has been reported. Fifteen clinical diagnostic laboratories and one expert panel (ENIGMA) have submitted clinical-significance assessments for this variant to ClinVar after 2014 without evidence for independent evaluation. All submitters classified the variant as pathogenic. Based on the evidence outlined above, the variant was classified as pathogenic.

Fulgent Genetics
Classification: Pathogenic for Familial cancer of breast; Medulloblastoma; Familial prostate cancer; Esophageal atresia/tracheoesophageal fistula; Wilms tumor 1; Fanconi anemia complementation group D1; Breast-ovarian cancer, familial, susceptibility to, 2; Glioma susceptibility 3; Pancreatic cancer, susceptibility to, 2. Last evaluated: 2017-05-18. Review status: criteria provided, single submitter. Criteria: ACMG Guidelines, 2015. Collection method: clinical testing. Allele origin: unknown. Not counted in ClinVar's aggregate classification.

Illumina Laboratory Services, Illumina
Classification: Pathogenic for BRCA2-Related Disorders. Last evaluated: 2017-04-28. Review status: criteria provided, single submitter. Criteria: ICSL Variant Classification Criteria 09 May 2019. Collection method: clinical testing. Allele origin: germline. Not counted in ClinVar's aggregate classification.
Comment: The BRCA2 c.5857G>T (p.Glu1953Ter) variant is a stop-gained variant that is predicted to result in a premature termination of the protein. The p.Glu1953Ter variant has been reported in at least seven studies in individuals with breast, ovarian or prostate cancer in which it is found in a heterozygous state in at least 44 patients. The variant is a common cause of breast and ovarian cancer in the French Canadian population (Serova-Sinilnikova et al. 1997; Tonin et al. 1998; Oros et al. 2004; van der Hout et al. 2006; Cavallone et al. 2010; Taherian et al. 2014; Ghadirian et al. 2014). Control data are unavailable from these studies for this variant, which is reported at a frequency of 0.00001 in the European (non-Finnish) population of the Exome Aggregation Consortium. This frequency is based on one allele only in a region of good sequence coverage so the variant is presumed to be rare. Although the p.Glu1953Ter variant has not been reported in any cases of Fanconi anemia, it is generally accepted that pathogenic variants in the BRCA2 gene also confer carrier status for Fanconi anemia. Due to the potential impact of stop-gained variants and the supporting evidence, the p.Glu1953Ter variant is classified as pathogenic for BRCA2-related disorders. This variant was observed by ICSL as part of a predisposition screen in an ostensibly healthy population.

Department of Pathology and Molecular Medicine, Queen's University
Classification: Pathogenic for Hereditary breast ovarian cancer syndrome. Last evaluated: 2017-04-20. Review status: criteria provided, single submitter. Criteria: ACMG Guidelines, 2015. Collection method: clinical testing. Allele origin: germline. Study: The Canadian Open Genetics Repository (COGR). Not counted in ClinVar's aggregate classification.

CHEO Genetics Diagnostic Laboratory, Children's Hospital of Eastern Ontario
Classification: Pathogenic for Hereditary breast ovarian cancer syndrome. Last evaluated: 2017-03-08. Review status: criteria provided, single submitter. Criteria: ACMG Guidelines, 2015. Collection method: clinical testing. Allele origin: germline. Study: The Canadian Open Genetics Repository (COGR). Not counted in ClinVar's aggregate classification.

Molecular Genetics Laboratory, University of Michigan
Classification: Pathogenic for Breast-ovarian cancer, familial, susceptibility to, 2. Last evaluated: 2016-04-21. Review status: criteria provided, single submitter. Criteria: ACMG Guidelines, 2015. Collection method: clinical testing. Allele origin: germline. Affected: yes. Not counted in ClinVar's aggregate classification.

Consortium of Investigators of Modifiers of BRCA1/2 (CIMBA), c/o University of Cambridge
Classification: Pathogenic for Breast-ovarian cancer, familial, susceptibility to, 2. Last evaluated: 2015-10-02. Review status: criteria provided, single submitter. Criteria: CIMBA Mutation Classification guidelines May 2016. Collection method: clinical testing. Allele origin: germline. Not counted in ClinVar's aggregate classification.

Clinical Genetics DNA and cytogenetics Diagnostics Lab, Erasmus MC, Erasmus Medical Center
Classification: Pathogenic for Breast-ovarian cancer, familial, susceptibility to, 2. Last evaluated: 2015-09-21. Review status: criteria provided, single submitter. Criteria: ACGS Guidelines, 2013. Collection method: clinical testing. Allele origin: germline. Affected: yes. Study: VKGL Data-share Consensus. Not counted in ClinVar's aggregate classification.

PreventionGenetics, part of Exact Sciences
Classification: Pathogenic for BRCA2-related condition. Last evaluated: 2024-07-30. Review status: no assertion criteria provided. Collection method: clinical testing. Allele origin: germline. Not counted in ClinVar's aggregate classification.
Comment: The BRCA2 c.5857G>T variant is predicted to result in premature protein termination (p.Glu1953*). In the literature, this variant is also referred to as c.6085G>T. This variant has been reported in multiple individuals with hereditary breast and ovarian cancer (HBOC) and prostate cancer (Serova-Sinilnikova et al. 1997. PubMed ID: 9150172; Tonin et al. 1998. PubMed ID: 9792861; van der Hout et al. 2006. PubMed ID: 16683254; Taherian et al. 2013. PubMed ID: 23318356; Pritzlaff et al. 2017. PubMed ID: 28008555). Of note, the c.5857G>T (p.Glu1953*) variant is a common cause of HBOC in the French Canadian population (Tonin et al. 1998. PubMed ID: 9792861; Tonin et al. 2001. PubMed ID: 11307153; Oros et al. 2004. PubMed ID: 15382066). This variant is reported in 0.0018% of alleles in individuals of European (Non-Finnish) descent in gnomAD and is interpreted as pathogenic in ClinVar. Nonsense variants in BRCA2 are expected to be pathogenic. This variant is interpreted as pathogenic.

BRCAlab, Lund University
Classification: Pathogenic for Breast-ovarian cancer, familial, susceptibility to, 2. Last evaluated: 2020-03-02. Review status: no assertion criteria provided. Collection method: clinical testing. Allele origin: germline. Affected: yes. Not counted in ClinVar's aggregate classification.

Foulkes Cancer Genetics LDI, Lady Davis Institute for Medical Research
Classification: Pathogenic for Breast and/or ovarian cancer. Last evaluated: 2015-10-28. Review status: no assertion criteria provided. Collection method: clinical testing. Allele origin: germline. Study: The Canadian Open Genetics Repository (COGR). Not counted in ClinVar's aggregate classification.

Research Molecular Genetics Laboratory, Women's College Hospital, University of Toronto
Classification: Pathogenic for Hereditary breast ovarian cancer syndrome. Last evaluated: 2014-01-31. Review status: no assertion criteria provided. Collection method: research. Allele origin: germline. Affected: yes. Study: The Canadian Open Genetics Repository (COGR). Not counted in ClinVar's aggregate classification.

Sharing Clinical Reports Project (SCRP)
Classification: Pathogenic for Breast-ovarian cancer, familial 2. Last evaluated: 2011-03-15. Review status: no assertion criteria provided. Collection method: clinical testing. Allele origin: germline. Not counted in ClinVar's aggregate classification.

Breast Cancer Information Core (BIC) (BRCA2)
Classification: Pathogenic for Breast-ovarian cancer, familial 2. Last evaluated: 2002-05-29. Review status: no assertion criteria provided. Collection method: clinical testing. Allele origin: germline, unknown. Affected: yes. Observed: 32 variant alleles. Not counted in ClinVar's aggregate classification.

Clinical Genetics Laboratory, Department of Pathology, Netherlands Cancer Institute
Classification: Pathogenic. Review status: no assertion criteria provided. Collection method: clinical testing. Allele origin: germline. Affected: yes. Study: VKGL Data-share Consensus. Not counted in ClinVar's aggregate classification.

Department of Pathology and Laboratory Medicine, Sinai Health System
Classification: Pathogenic for Malignant tumor of breast. Review status: no assertion criteria provided. Collection method: clinical testing. Allele origin: unknown. Affected: yes. Observed: 11 variant alleles. Study: The Canadian Open Genetics Repository (COGR). Not counted in ClinVar's aggregate classification.
Comment: The BRCA2 p.Glu1953X variant was identified in 28 of 10010 proband chromosomes (frequency: 0.003) from individuals or families with breast, ovarian, and prostate cancer, and it was present in 1 of 3994 control chromosomes (frequency: 0.0002) from healthy individuals (Belanger 2015, Cavallone 2010, Ghadirian 2009, Janavicius 2010, Lubinski 2004, Serova-Sinilnikova 1997, Taherian 2013, Thompson 2016, Tonin 2001, Zhang 2011). The variant was also identified in dbSNP (ID: rs80358814) as â€šÃ„ÃºWith Pathogenic alleleâ€šÃ„Ã¹, ARUP Laboratories BRCA Mutations Database (classified as definitely pathogenic), the ClinVar database (classified as pathogenic 16x including by ENIGMA, Invitae, Ambry Genetics, and GeneDx), the BIC database (32x with clinical importance), UMD (6x with a â€šÃ„Ãºcausalâ€šÃ„Ã¹ classification). The variant was also identified in control databases including the Genome Aggregation Consortium database in 3 of 246032 chromosomes (freq. 0.00001) in the following populations: European in 3 of 111544 chromosomes (freq. 0.00003). The variant was also identified by our laboratory in 5 individuals with breast and pancreatic cancer. The variant described in the literature as a French-Canadian founder mutation (Belanger 2015, Cavallone 2010, Ghadirian 2009, Janavicius 2010, Lubinski 2004, Tonin 2001). The variant has also been described in a Brazilian population (Fernandes 2016). In addition, one case study suggests the variant lead to early-onset and aggressive prostate cancer (Taherian 2013). The p.Glu1953X variant leads to a premature stop codon at position 1953, which is predicted to lead to a truncated or absent protein and loss of function. Loss of function variants of the BRCA2 gene are an established mechanism of disease in hereditary breast and ovarian cancer and is the type of variant expected to cause the disorder. In summary, based on the above information, this variant meets our laboratoryâ€šÃ„Ã´s criteria to be classified as pathogenic.